The following is an entry in ClinVar:

ClinVar aggregate classification (germline): Conflicting classifications of pathogenicity. Review status: criteria provided, conflicting classifications (1 of 4 stars). 4 submissions from 4 submitters: Uncertain significance (2); Likely benign (2). Last evaluated 2025-09-04.

Conditions:
Hereditary cancer-predisposing syndrome. Also called: Neoplastic Syndromes, Hereditary; Tumor predisposition; Hereditary Cancer Syndrome; Hereditary neoplastic syndrome. Identifiers: Orphanet 140162, MedGen C0027672, MeSH D009386, MONDO:0015356.
Hereditary breast ovarian cancer syndrome. Also called: Hereditary breast and ovarian cancer syndrome; BRCA1- and BRCA2-Associated Hereditary Breast and Ovarian Cancer; Breast and ovarian cancer; Hereditary breast and/or ovarian cancer syndrome; Hereditary breast and ovarian cancer; Hereditary breast and ovarian cancer syndrome (HBOC). Identifiers: Orphanet 145, MedGen C0677776, MeSH D061325, MONDO:0003582. Disease mechanism: loss of function.

Submissions (4):

Labcorp Genetics (formerly Invitae), Labcorp
Classification: Uncertain significance for Hereditary breast ovarian cancer syndrome. Last evaluated: 2025-09-04. Review status: criteria provided, single submitter. Criteria: Invitae Variant Classification Sherloc (09022015). Collection method: clinical testing. Allele origin: germline.
Comment: This sequence change replaces alanine, which is neutral and non-polar, with glycine, which is neutral and non-polar, at codon 737 of the BRCA2 protein (p.Ala737Gly). This variant is not present in population databases (gnomAD no frequency). This variant has not been reported in the literature in individuals affected with BRCA2-related conditions. ClinVar contains an entry for this variant (Variation ID: 234204). Invitae Evidence Modeling of protein sequence and biophysical properties (such as structural, functional, and spatial information, amino acid conservation, physicochemical variation, residue mobility, and thermodynamic stability) indicates that this missense variant is not expected to disrupt BRCA2 protein function with a negative predictive value of 95%. In summary, the available evidence is currently insufficient to determine the role of this variant in disease. Therefore, it has been classified as a Variant of Uncertain Significance.

Ambry Genetics
Classification: Likely benign for Hereditary cancer-predisposing syndrome. Last evaluated: 2024-07-11. Review status: criteria provided, single submitter. Criteria: Ambry Variant Classification Scheme 2023. Collection method: clinical testing. Allele origin: germline.

University of Washington Department of Laboratory Medicine, University of Washington
Classification: Likely benign for Hereditary cancer-predisposing syndrome. Last evaluated: 2023-03-23. Review status: criteria provided, single submitter. Criteria: Dines et al. (Genet Med. 2020). Collection method: curation. Allele origin: germline.
Comment: Missense variant in a coldspot region where missense variants are very unlikely to be pathogenic (PMID:31911673).

BRCA2 exon 11 coldspot. Reclassification based on statistical prior probability.

Color Diagnostics, LLC DBA Color Health
Classification: Uncertain significance for Hereditary cancer-predisposing syndrome. Last evaluated: 2020-01-02. Review status: criteria provided, single submitter. Criteria: ACMG Guidelines, 2015. Collection method: clinical testing. Allele origin: germline.
Comment: This missense variant replaces alanine with glycine at codon 737 of the BRCA2 protein. Computational prediction suggests that this variant may not impact protein structure and function (internally defined REVEL score threshold <= 0.5, PMID: 27666373). Splice site prediction tools suggest that this variant may not impact RNA splicing. To our knowledge, functional studies have not been performed for this variant. This variant has not been reported in individuals affected with hereditary cancer in the literature. This variant has not been identified in the general population by the Genome Aggregation Database (gnomAD). The available evidence is insufficient to determine the role of this variant in disease conclusively. Therefore, this variant is classified as a Variant of Uncertain Significance.

NM_000059.4(BRCA2):c.2210C>G (p.Ala737Gly)

Gene: BRCA2 (BRCA2 DNA repair associated; plus strand). Cytogenetic location: 13q13.1.
Variant type: single nucleotide variant.
Coding change: c.2210C>G on transcript NM_000059.4 (MANE Select); coding-DNA position 2210, C replaced by G.
Protein change: p.Ala737Gly; replaces alanine 737 with glycine.
Molecular consequence: missense variant.
Genome position (GRCh38, 1-based): chr13:32,336,565, C>G. VCF-style: chr13-32336565-C-G. GRCh37 (hg19) VCF-style: chr13-32910702-C-G.
Other names: short protein forms A737G.
Identifiers: ClinVar variation 234204 (VCV000234204.16), dbSNP rs876660923, ClinGen allele CA10579529.
Genomic context (GRCh38, chr13:32,336,565, plus strand): 5'-GTGAAAATGATCCAAAAAGCAAAAAAGTTTCAGATATAAAAGAAGAGGTCTTGGCTGCAG[C>G]ATGTCACCCAGTACAACATTCAAAAGTGGAATACAGTGATACTGACTTTCAATCCCAGAA-3'
Protein context (NP_000050.3, residues 727-747): SDIKEEVLAA[Ala737Gly]CHPVQHSKVE